The following is an entry in ClinVar:

ClinVar aggregate classification (germline): Uncertain significance (1 of 4 stars; one submission).

Allele frequency attached by ClinVar (database versions not stated): gnomAD exomes below 0.00001.
gnomAD v4.1: 1 of 1,613,794 alleles (0.000062%); highest among the groups gnomAD compares: Non-Finnish European, 0.000085%; no homozygotes.

Submission:

Ambry Genetics
Classification: Uncertain significance. Last evaluated: 2021-11-08. Review status: criteria provided, single submitter. Criteria: Ambry Variant Classification Scheme 2023. Collection method: clinical testing. Allele origin: germline.
Comment: The p.S613L variant (also known as c.1838C>T), located in coding exon 13 of the NPAT gene, results from a C to T substitution at nucleotide position 1838. The serine at codon 613 is replaced by leucine, an amino acid with dissimilar properties. This amino acid position is conserved. In addition, this alteration is predicted to be tolerated by in silico analysis. Since supporting evidence is limited at this time, the clinical significance of this alteration remains unclear.

NM_002519.3(NPAT):c.1838C>T (p.Ser613Leu)

Gene: NPAT (nuclear protein, coactivator of histone transcription; minus strand). Cytogenetic location: 11q22.3.
Variant type: single nucleotide variant.
Coding change: c.1838C>T on transcript NM_002519.3 (MANE Select); coding-DNA position 1838, C replaced by T.
Protein change: p.Ser613Leu; replaces serine 613 with leucine.
Molecular consequence: missense variant.
Genome position (GRCh38, 1-based): chr11:108,173,146, G>A on the plus strand (C>T on the coding strand, the complement: NPAT is on the minus strand). VCF-style: chr11-108173146-G-A. GRCh37 (hg19) VCF-style: chr11-108043873-G-A.
Other names: c.1838C>T, p.Ser613Leu (NM_001321307.1); short protein forms S613L.
Identifiers: ClinVar variation 1781079 (VCV001781079.2), dbSNP rs2496719732, ClinGen allele CA382514243.